The following is an entry in ClinVar:

ClinVar aggregate classification (germline): Conflicting classifications of pathogenicity. Review status: criteria provided, conflicting classifications (1 of 4 stars). 4 submissions from 4 submitters: Likely pathogenic (1); Uncertain significance (3). Last evaluated 2025-03-11.

Conditions:
Mucopolysaccharidosis, MPS-II (MPS2). Also called: Attenuated MPS (subtype; formerly known as mild MPS II); Severe MPS II; I2S deficiency; MPS 2; Hunter Syndrome; IDURONATE 2-SULFATASE DEFICIENCY. Identifiers: Orphanet 580, Orphanet 79388, MedGen C0026705, MONDO:0010674, OMIM 309900.

Allele frequency attached by ClinVar (database versions not stated): TOPMed 0.00001.

Submissions (4):

Women's Health and Genetics/Laboratory Corporation of America, LabCorp
Classification: Uncertain significance. Last evaluated: 2025-03-11. Review status: criteria provided, single submitter. Criteria: LabCorp Variant Classification Summary - May 2015. Collection method: clinical testing. Allele origin: germline.
Comment: Variant summary: IDS c.142C>T (p.Arg48Cys) results in a non-conservative amino acid change in the encoded protein sequence. Five of five in-silico tools predict a damaging effect of the variant on protein function. The variant was absent in 177957 control chromosomes. The available data on variant occurrences in the general population are insufficient to allow any conclusion about variant significance. c.142C>T has been reported in the literature in individuals with positive newborn screening results (e.g., Chien_2020, Burton_2023). These report(s) do not provide unequivocal conclusions about association of the variant with Mucopolysaccharidosis Type II (Hunter Syndrome), and may indicate that this variant is a pseudodeficiency allele. At least one publication reports experimental evidence evaluating an impact on protein function. The most pronounced variant effect results in >50%-90% of normal activity (Lin_2019). The following publications have been ascertained in the context of this evaluation (PMID: 36907694, 32014045, 31877959). ClinVar contains an entry for this variant (Variation ID: 2416195). Based on the evidence outlined above, the variant was classified as uncertain significance.

Laboratory of Diagnosis and Therapy of Lysosomal Disorders, University of Padova
Classification: Likely pathogenic for Mucopolysaccharidosis, MPS-II. Last evaluated: 2024-06-07. Review status: criteria provided, single submitter. Criteria: ACMG Guidelines, 2015. Collection method: literature only. Allele origin: germline. Observed: 1 variant allele.
Comment: Absent from controls (or at low frequency) in gnomAD database (PM2_Moderate), Missense change at the same amino acid residue as a pathogenic variant (PM5_Moderate), Missense variant in a gene with a low rate of benign missense variation (PP2_Supporting), Multiple lines of computational evidence support a deleterious effect (PP3_Supporting), In vitro or in vivo functional studies showing no damaging effect (BS3_Supporting)

Classification method: ACMG Guidelines [PMID:25741868] with modifications

Labcorp Genetics (formerly Invitae), Labcorp
Classification: Uncertain significance for Mucopolysaccharidosis, MPS-II. Last evaluated: 2023-11-10. Review status: criteria provided, single submitter. Criteria: Invitae Variant Classification Sherloc (09022015). Collection method: clinical testing. Allele origin: germline.
Comment: This sequence change replaces arginine, which is basic and polar, with cysteine, which is neutral and slightly polar, at codon 48 of the IDS protein (p.Arg48Cys). This variant is not present in population databases (gnomAD no frequency). This missense change has been observed in individual(s) with a positive newborn screening result for IDS-related disease (PMID: 32014045). ClinVar contains an entry for this variant (Variation ID: 2416195). Advanced modeling of protein sequence and biophysical properties (such as structural, functional, and spatial information, amino acid conservation, physicochemical variation, residue mobility, and thermodynamic stability) performed at Invitae indicates that this missense variant is expected to disrupt IDS protein function with a positive predictive value of 80%. In summary, the available evidence is currently insufficient to determine the role of this variant in disease. Therefore, it has been classified as a Variant of Uncertain Significance.

Juno Genomics, Hangzhou Juno Genomics, Inc
Classification: Uncertain significance for Mucopolysaccharidosis, MPS-II. Review status: criteria provided, single submitter. Criteria: ACMG Guidelines, 2015. Collection method: clinical testing. Allele origin: germline.
Comment: Absent from controls (or at extremely low frequency if recessive) in Genome Aggregation Database.;Well-established in vitro or in vivo functional studies supportive of a damaging effect on the gene or gene product.;Novel missense change at an amino acid residue where a different missense change determined to be pathogenic has been seen before.

Literature cited by the submitters: PubMed 32014045 (cited by 3 submitters); PubMed 31877959 (cited by Women's Health and Genetics/Laboratory Corporation of America, LabCorp); PubMed 36907694 (cited by Women's Health and Genetics/Laboratory Corporation of America, LabCorp).

NM_000202.8(IDS):c.142C>T (p.Arg48Cys)

Gene: IDS (iduronate 2-sulfatase; minus strand). Cytogenetic location: Xq28.
Variant type: single nucleotide variant.
Coding change: c.142C>T on transcript NM_000202.8 (MANE Select); coding-DNA position 142, C replaced by T.
Protein change: p.Arg48Cys; replaces arginine 48 with cysteine.
Molecular consequence: missense variant. On other transcripts: 5 prime UTR variant (1), non-coding transcript variant (1).
Genome position (GRCh38, 1-based): chrX:149,504,255, G>A on the plus strand (C>T on the coding strand, the complement: IDS is on the minus strand). VCF-style: chrX-149504255-G-A. GRCh37 (hg19) VCF-style: chrX-148585785-G-A.
Other names: c.-85C>T (NM_001166550.4); c.142C>T, p.Arg48Cys (NM_006123.5); short protein forms R48C.
Identifiers: ClinVar variation 2416195 (VCV002416195.11), dbSNP rs1412895796, ClinGen allele CA414527742.
Genomic context (GRCh38, chrX:149,504,255, plus strand): 5'-CCAGTTGGTCAATATTTGGGGACCTCACCAGCTTATCCCCATAACAGCCCAGGGAGGGGC[G>A]CAGGTCATCCACGATGATGAGAAGAACGTTCAGAGCATCTACACAGGAGGGAGGGGCTTT-3'
Protein context (NP_000193.1, residues 38-58): NVLLIIVDDL[Arg48Cys]PSLGCYGDKL